The following is an entry in ClinVar:

NM_000455.5(STK11):c.807G>T (p.Lys269Asn)

Gene: STK11 (serine/threonine kinase 11; plus strand). Cytogenetic location: 19p13.3.
Variant type: single nucleotide variant.
Coding change: c.807G>T on transcript NM_000455.5 (MANE Select); coding-DNA position 807, G replaced by T.
Protein change: p.Lys269Asn; replaces lysine 269 with asparagine.
Molecular consequence: missense variant.
Genome position (GRCh38, 1-based): chr19:1,221,285, G>T. VCF-style: chr19-1221285-G-T. GRCh37 (hg19) VCF-style: chr19-1221284-G-T.
Other names: short protein forms K269N.
Identifiers: ClinVar variation 945861 (VCV000945861.11), dbSNP rs1057523146, ClinGen allele CA402950577.
Genomic context (GRCh38, chr19:1,221,285, plus strand): 5'-CACGGGTCTGTACCCCTTCGAAGGGGACAACATCTACAAGTTGTTTGAGAACATCGGGAA[G>T]GGGAGCTACGCCATCCCGGGCGACTGTGGCCCCCCGCTCTCTGACCTGCTGAAAGGTGGG-3'
Protein context (NP_000446.1, residues 259-279): NIYKLFENIG[Lys269Asn]GSYAIPGDCG

ClinVar aggregate classification (germline): Uncertain significance. Review status: criteria provided, multiple submitters, no conflicts (2 of 4 stars). 2 submissions from 2 submitters: Uncertain significance (2). Last evaluated 2024-11-11.

Conditions:
Hereditary cancer-predisposing syndrome. Also called: Neoplastic Syndromes, Hereditary; Hereditary neoplastic syndrome; Hereditary Cancer Syndrome; Tumor predisposition. Identifiers: Orphanet 140162, MedGen C0027672, MeSH D009386, MONDO:0015356.
Peutz-Jeghers syndrome (PJS). Also called: Peutz-Jeghers polyposis; Periorificial lentiginosis syndrome; POLYPOSIS, HAMARTOMATOUS INTESTINAL; POLYPS-AND-SPOTS SYNDROME. Identifiers: Orphanet 2869, MedGen C0031269, MeSH D010580, MONDO:0008280, OMIM 175200.

Submissions (2):

Labcorp Genetics (formerly Invitae), Labcorp
Classification: Uncertain significance for Peutz-Jeghers syndrome. Last evaluated: 2024-11-11. Review status: criteria provided, single submitter. Criteria: Invitae Variant Classification Sherloc (09022015). Collection method: clinical testing. Allele origin: germline.
Comment: This sequence change replaces lysine, which is basic and polar, with asparagine, which is neutral and polar, at codon 269 of the STK11 protein (p.Lys269Asn). This variant is not present in population databases (gnomAD no frequency). This variant has not been reported in the literature in individuals affected with STK11-related conditions. ClinVar contains an entry for this variant (Variation ID: 945861). Invitae Evidence Modeling of protein sequence and biophysical properties (such as structural, functional, and spatial information, amino acid conservation, physicochemical variation, residue mobility, and thermodynamic stability) indicates that this missense variant is not expected to disrupt STK11 protein function with a negative predictive value of 95%. In summary, the available evidence is currently insufficient to determine the role of this variant in disease. Therefore, it has been classified as a Variant of Uncertain Significance.

Ambry Genetics
Classification: Uncertain significance for Hereditary cancer-predisposing syndrome. Last evaluated: 2023-04-18. Review status: criteria provided, single submitter. Criteria: Ambry Variant Classification Scheme 2023. Collection method: clinical testing. Allele origin: germline.
Comment: The p.K269N variant (also known as c.807G>T), located in coding exon 6 of the STK11 gene, results from a G to T substitution at nucleotide position 807. The lysine at codon 269 is replaced by asparagine, an amino acid with similar properties. This amino acid position is highly conserved in available vertebrate species. In addition, this alteration is predicted to be tolerated by in silico analysis. Since supporting evidence is limited at this time, the clinical significance of this alteration remains unclear.